The following is an entry in ClinVar:

ClinVar aggregate classification (germline): Uncertain significance. Review status: criteria provided, multiple submitters, no conflicts (2 of 4 stars). 2 submissions from 2 submitters: Uncertain significance (2). Last evaluated 2024-09-17.

Allele frequency attached by ClinVar (database versions not stated): ExAC 0.00003; gnomAD exomes 0.00004; gnomAD 0.00006; TOPMed 0.00007; 1000 Genomes Project 30x 0.00016.
gnomAD v4.1: 67 of 1,612,850 alleles (0.0042%); highest among the groups gnomAD compares: South Asian, 0.015%; no homozygotes.

Submissions (2):

Labcorp Genetics (formerly Invitae), Labcorp
Classification: Uncertain significance. Last evaluated: 2024-09-17. Review status: criteria provided, single submitter. Criteria: Invitae Variant Classification Sherloc (09022015). Collection method: clinical testing. Allele origin: germline.
Comment: This sequence change replaces threonine, which is neutral and polar, with methionine, which is neutral and non-polar, at codon 79 of the CFB protein (p.Thr79Met). This variant is present in population databases (rs758329066, gnomAD 0.01%). This variant has not been reported in the literature in individuals affected with CFB-related conditions. ClinVar contains an entry for this variant (Variation ID: 2179396). Invitae Evidence Modeling of protein sequence and biophysical properties (such as structural, functional, and spatial information, amino acid conservation, physicochemical variation, residue mobility, and thermodynamic stability) has been performed for this missense variant. However, the output from this modeling did not meet the statistical confidence thresholds required to predict the impact of this variant on CFB protein function. In summary, the available evidence is currently insufficient to determine the role of this variant in disease. Therefore, it has been classified as a Variant of Uncertain Significance.

Mayo Clinic Laboratories, Mayo Clinic
Classification: Uncertain significance. Last evaluated: 2023-04-28. Review status: criteria provided, single submitter. Criteria: ACMG Guidelines, 2015. Collection method: clinical testing. Allele origin: germline. Observed: 1 variant allele.
Comment: BP4

NM_001710.6(CFB):c.236C>T (p.Thr79Met)

Gene: CFB (complement factor B; plus strand). Cytogenetic location: 6p21.33.
Variant type: single nucleotide variant.
Coding change: c.236C>T on transcript NM_001710.6 (MANE Select); coding-DNA position 236, C replaced by T.
Protein change: p.Thr79Met; replaces threonine 79 with methionine.
Molecular consequence: missense variant.
Genome position (GRCh38, 1-based): chr6:31,946,544, C>T. VCF-style: chr6-31946544-C-T. GRCh37 (hg19) VCF-style: chr6-31914321-C-T.
Other names: p.Thr79Met; short protein forms T79M.
Identifiers: ClinVar variation 2179396 (VCV002179396.5), dbSNP rs758329066, ClinGen allele CA3727970.